The following is an entry in ClinVar:

NM_022437.3(ABCG8):c.1412-8C>T

Gene: ABCG8 (ATP binding cassette subfamily G member 8; plus strand). Cytogenetic location: 2p21.
Variant type: single nucleotide variant.
Coding change: c.1412-8C>T on transcript NM_022437.3 (MANE Select); 8 bases into the intron before coding-DNA position 1412, C replaced by T.
Molecular consequence: intron variant.
Genome position (GRCh38, 1-based): chr2:43,874,399, C>T. VCF-style: chr2-43874399-C-T. GRCh37 (hg19) VCF-style: chr2-44101538-C-T.
Other names: p.?; c.1409-8C>T (NM_001357321.2).
Identifiers: ClinVar variation 336080 (VCV000336080.32), dbSNP rs28517482, ClinGen allele CA1637446.

ClinVar aggregate classification (germline): Benign. Review status: criteria provided, multiple submitters, no conflicts (2 of 4 stars). 13 submissions from 13 submitters: Benign (10). 3 of the submissions do not count toward it. Last evaluated 2026-02-04.

Conditions:
Sitosterolemia 1. Identifiers: MedGen C2749759, MONDO:0020747, OMIM 210250.

Allele frequency attached by ClinVar (database versions not stated): gnomAD 0.65816 and 0.66470; ExAC 0.67334; TOPMed 0.67624; gnomAD exomes 0.67676; 1000 Genomes Project 0.76498; 1000 Genomes Project 30x 0.76515.
gnomAD v4.1: 991,165 of 1,590,040 alleles (62%); highest among the groups gnomAD compares: East Asian, 97%; 314,676 homozygotes.

Submissions (14):

Labcorp Genetics (formerly Invitae), Labcorp
Classification: Benign. Last evaluated: 2026-02-04. Review status: criteria provided, single submitter. Criteria: Invitae Variant Classification Sherloc (09022015). Collection method: clinical testing. Allele origin: germline.

Molecular Diagnostic Laboratory for Inherited Cardiovascular Disease, Montreal Heart Institute
Classification: Benign. Last evaluated: 2025-04-09. Review status: criteria provided, single submitter. Criteria: ACMG Guidelines, 2015. Collection method: clinical testing. Allele origin: germline. Affected: no.

Blueprint Genetics
Classification: Benign. Last evaluated: 2024-11-26. Review status: criteria provided, single submitter. Criteria: ACMG Guidelines, 2015. Collection method: clinical testing. Allele origin: germline.

Women's Health and Genetics/Laboratory Corporation of America, LabCorp
Classification: Benign. Last evaluated: 2023-04-09. Review status: criteria provided, single submitter. Criteria: LabCorp Variant Classification Summary - May 2015. Collection method: clinical testing. Allele origin: germline.

Mayo Clinic Laboratories, Mayo Clinic
Classification: Benign. Last evaluated: 2022-09-29. Review status: criteria provided, single submitter. Criteria: ACMG Guidelines, 2015. Collection method: clinical testing. Allele origin: germline. Observed: 2,068 variant alleles.

Genome-Nilou Lab
Classification: Benign for Sitosterolemia 1. Last evaluated: 2021-07-14. Review status: criteria provided, single submitter. Criteria: ACMG Guidelines, 2015. Collection method: clinical testing. Allele origin: germline. Affected: no.

Eurofins Ntd Llc (ga)
Classification: Benign. Last evaluated: 2018-08-17. Review status: criteria provided, single submitter. Criteria: EGL ClinVar v180209 classification definitions. Collection method: clinical testing. Allele origin: germline. Observed: 27 variant alleles, 27 heterozygotes.

GeneDx
Classification: Benign. Last evaluated: 2018-07-05. Review status: criteria provided, single submitter. Criteria: GeneDx Variant Classification Process June 2021. Collection method: clinical testing. Allele origin: germline. Affected: yes.

Illumina Laboratory Services, Illumina
Classification: Benign for Sitosterolemia 1. Last evaluated: 2018-01-12. Review status: criteria provided, single submitter. Criteria: ICSL Variant Classification Criteria 13 December 2019. Collection method: clinical testing. Allele origin: germline.
Comment: This variant was observed in the ICSL laboratory as part of a predisposition screen in an ostensibly healthy population. It had not been previously curated by ICSL or reported in the Human Gene Mutation Database (HGMD: prior to June 1st, 2018), and was therefore a candidate for classification through an automated scoring system. Utilizing variant allele frequency, disease prevalence and penetrance estimates, and inheritance mode, an automated score was calculated to assess if this variant is too frequent to cause the disease. Based on the score and internal cut-off values, a variant classified as benign is not then subjected to further curation. The score for this variant resulted in a classification of benign for this disease.

Breakthrough Genomics
Classification: Benign. Review status: criteria provided, single submitter. Criteria: ACMG Guidelines, 2015. Collection method: not provided. Allele origin: germline. Inheritance: Autosomal recessive inheritance. Affected: yes.

Clinical Genetics, Academic Medical Center
Classification: Benign. Review status: no assertion criteria provided. Collection method: clinical testing. Allele origin: germline. Affected: yes. Study: VKGL Data-share Consensus. Not counted in ClinVar's aggregate classification.

Diagnostic Laboratory, Department of Genetics, University Medical Center Groningen
Classification: Benign. Review status: no assertion criteria provided. Collection method: clinical testing. Allele origin: germline. Affected: yes. Study: VKGL Data-share Consensus. Not counted in ClinVar's aggregate classification.

Dr. Peter K. Rogan Lab, Western University
No classification provided (evidence only). Condition: Hepatocellular carcinoma. Review status: no classification provided. Collection method: in vitro. Allele origin: not applicable. Functional consequence: retained intron. Not counted in ClinVar's aggregate classification.

Joint Genome Diagnostic Labs from Nijmegen and Maastricht, Radboudumc and MUMC+
Classification: Benign. Review status: no assertion criteria provided. Collection method: clinical testing. Allele origin: germline. Affected: yes. Study: VKGL Data-share Consensus. Not counted in ClinVar's aggregate classification.